The following is an entry in ClinVar:

NM_006084.5(IRF9):c.512G>A (p.Ser171Asn)

Gene: IRF9 (interferon regulatory factor 9; plus strand). Cytogenetic location: 14q12.
Variant type: single nucleotide variant.
Coding change: c.512G>A on transcript NM_006084.5 (MANE Select); coding-DNA position 512, G replaced by A.
Protein change: p.Ser171Asn; replaces serine 171 with asparagine.
Molecular consequence: missense variant.
Genome position (GRCh38, 1-based): chr14:24,163,894, G>A. VCF-style: chr14-24163894-G-A. GRCh37 (hg19) VCF-style: chr14-24633103-G-A.
Other names: c.512G>A, p.Ser171Asn (NM_001385400.1, NM_001385401.1, NM_001385402.1); short protein forms S171N.
Identifiers: ClinVar variation 1717287 (VCV001717287.5), dbSNP rs1193188177, ClinGen allele CA389204691.

ClinVar aggregate classification (germline): Uncertain significance (1 of 4 stars; one submission).

Allele frequency attached by ClinVar (database versions not stated): TOPMed below 0.00001; gnomAD 0.00001; gnomAD exomes 0.00001.
gnomAD v4.1: 10 of 1,595,336 alleles (0.00063%); highest among the groups gnomAD compares: Non-Finnish European, 0.00077%; no homozygotes.

Submission:

Labcorp Genetics (formerly Invitae), Labcorp
Classification: Uncertain significance. Last evaluated: 2024-03-23. Review status: criteria provided, single submitter. Criteria: Invitae Variant Classification Sherloc (09022015). Collection method: clinical testing. Allele origin: germline.
Comment: This sequence change replaces serine, which is neutral and polar, with asparagine, which is neutral and polar, at codon 171 of the IRF9 protein (p.Ser171Asn). This variant is present in population databases (no rsID available, gnomAD 0.001%). This variant has not been reported in the literature in individuals affected with IRF9-related conditions. ClinVar contains an entry for this variant (Variation ID: 1717287). Algorithms developed to predict the effect of missense changes on protein structure and function output the following: SIFT: "Not Available"; PolyPhen-2: "Benign"; Align-GVGD: "Not Available". The asparagine amino acid residue is found in multiple mammalian species, which suggests that this missense change does not adversely affect protein function. In summary, the available evidence is currently insufficient to determine the role of this variant in disease. Therefore, it has been classified as a Variant of Uncertain Significance.